The following is an entry in ClinVar:

ClinVar aggregate classification (germline): Uncertain significance (1 of 4 stars; one submission).

Conditions:
Joubert syndrome. Also called: CEREBELLOPARENCHYMAL DISORDER IV; JOUBERT-BOLTSHAUSER SYNDROME; Familial aplasia of the vermis. Identifiers: Orphanet 475, MedGen C5979921, MONDO:0018772.
Meckel-Gruber syndrome. Also called: DYSENCEPHALIA SPLANCHNOCYSTICA; GRUBER SYNDROME; Dysencephalia splachnocystica. Identifiers: Orphanet 564, MedGen C0265215, MONDO:0018921.

Submission:

Labcorp Genetics (formerly Invitae), Labcorp
Classification: Uncertain significance for Joubert syndrome; Meckel-Gruber syndrome. Last evaluated: 2022-07-19. Review status: criteria provided, single submitter. Criteria: Invitae Variant Classification Sherloc (09022015). Collection method: clinical testing. Allele origin: germline.
Comment: In summary, the available evidence is currently insufficient to determine the role of this variant in disease. Therefore, it has been classified as a Variant of Uncertain Significance. Algorithms developed to predict the effect of missense changes on protein structure and function are either unavailable or do not agree on the potential impact of this missense change (SIFT: "Tolerated"; PolyPhen-2: "Possibly Damaging"; Align-GVGD: "Class C0"). This variant has not been reported in the literature in individuals affected with TCTN2-related conditions. This variant is not present in population databases (gnomAD no frequency). This sequence change replaces tyrosine, which is neutral and polar, with phenylalanine, which is neutral and non-polar, at codon 266 of the TCTN2 protein (p.Tyr266Phe).

NM_024809.5(TCTN2):c.797A>T (p.Tyr266Phe)

Gene: TCTN2 (tectonic family member 2; plus strand). Cytogenetic location: 12q24.31.
Variant type: single nucleotide variant.
Coding change: c.797A>T on transcript NM_024809.5 (MANE Select); coding-DNA position 797, A replaced by T.
Protein change: p.Tyr266Phe; replaces tyrosine 266 with phenylalanine.
Molecular consequence: missense variant.
Genome position (GRCh38, 1-based): chr12:123,688,083, A>T. VCF-style: chr12-123688083-A-T. GRCh37 (hg19) VCF-style: chr12-124172630-A-T.
Other names: c.794A>T, p.Tyr265Phe (NM_001143850.3); c.797A>T, p.Tyr266Phe (NM_001410989.1); short protein forms Y265F, Y266F.
Identifiers: ClinVar variation 2049268 (VCV002049268.4), dbSNP rs2541775583, ClinGen allele CA387137486.
Genomic context (GRCh38, chr12:123,688,083, plus strand): 5'-CTATTCAGCCTTTCTTATTGATTTTCAGTTCCCCCAAACAGGACTCTTCCTTTGAAGTAT[A>T]TGTGGATACTGACGCAAAAGACTTTGCAGACTTTGGTTACAAACAAGGAGATCCCATTAT-3'
Protein context (NP_079085.2, residues 256-276): SPKQDSSFEV[Tyr266Phe]VDTDAKDFAD